The following is an entry in ClinVar:

ClinVar aggregate classification (germline): Pathogenic/Likely pathogenic. Review status: criteria provided, multiple submitters, no conflicts (2 of 4 stars). 4 submissions from 4 submitters: Pathogenic (3); Likely pathogenic (1). Last evaluated 2025-09-29.

Conditions:
Hereditary cancer-predisposing syndrome. Also called: Tumor predisposition; Hereditary Cancer Syndrome; Neoplastic Syndromes, Hereditary; Hereditary neoplastic syndrome. Identifiers: Orphanet 140162, MedGen C0027672, MeSH D009386, MONDO:0015356.
Familial adenomatous polyposis 2. Also called: MYH-associated polyposis; FAP type 2; ADENOMAS, MULTIPLE COLORECTAL, AUTOSOMAL RECESSIVE; MUTYH Polyposis; MUTYH-associated polyposis; MUTYH-related attenuated familial adenomatous polyposis. Identifiers: Orphanet 220460, Orphanet 247798, MedGen C3272841, MONDO:0012041, OMIM 608456.

Submissions (4):

Women's Health and Genetics/Laboratory Corporation of America, LabCorp
Classification: Pathogenic for Familial adenomatous polyposis 2. Last evaluated: 2025-09-29. Review status: criteria provided, single submitter. Criteria: LabCorp Variant Classification Summary - May 2015. Collection method: clinical testing. Allele origin: germline.
Comment: Variant summary: MUTYH c.389-2A>G is located in a canonical splice-site and is predicted to affect mRNA splicing resulting in a significantly altered protein due to either exon skipping, shortening, or inclusion of intronic material. Variants that disrupt the consensus splice site are a relatively common cause of aberrant splicing and loss of MUTYH function. Several computational tools predict a significant impact on normal splicing: Four predict the variant abolishes a 3' acceptor site. Two also predict the variant creates a 5' donor site and two predict the variant strengthens/creates a cryptic 3' acceptor site. However, these predictions have yet to be confirmed by functional studies. The variant was absent in 251368 control chromosomes. c.389-2A>G has been observed in at least one individual affected with MUTYH-Associated Polyposis (Sutcliffe_2019). To our knowledge, no experimental evidence demonstrating an impact on protein function has been reported. However other variants affecting the same canonical acceptor site have been classified as pathogenic by our lab and others. The following publication has been ascertained in the context of this evaluation (PMID: 30604180). ClinVar contains an entry for this variant (Variation ID: 215998). Based on the evidence outlined above, the variant was classified as pathogenic for MUTYH-Associated Polyposis and Hereditary Breast And Ovarian Cancer Syndrome

Ambry Genetics
Classification: Likely pathogenic for Hereditary cancer-predisposing syndrome. Last evaluated: 2025-03-21. Review status: criteria provided, single submitter. Criteria: Ambry Variant Classification Scheme 2023. Collection method: clinical testing. Allele origin: germline.
Comment: The c.389-2A>G pathogenic mutation results from an A to G substitution two nucleotides upstream from coding exon 5 in the MUTYH gene. Alterations that disrupt the canonical splice site are expected to result in aberrant splicing. In silico splice site analysis predicts that this alteration will weaken the native splice acceptor site and will result in the creation or strengthening of a novel splice acceptor site. RNA studies have demonstrated that this alteration results in abnormal splicing in the set of samples tested (Ambry internal data). The resulting transcript is predicted to be in-frame and is not expected to trigger nonsense-mediated mRNA decay; however, direct evidence is unavailable. The exact functional effect of the altered amino acid sequence is unknown; however, the impacted region is critical for protein function (Ambry internal data). This variant was identified in the homozygous state in a study that looked at the phenotypic spectrum of MUTYH-Associated Polyposis (MAP) in the context of multi-gene hereditary cancer panel testing (Sutcliffe EG et al. Fam. Cancer, 2019 04;18:203-209). This variant is considered to be rare based on population cohorts in the Genome Aggregation Database (gnomAD). This nucleotide position is highly conserved in available vertebrate species.

Labcorp Genetics (formerly Invitae), Labcorp
Classification: Pathogenic for Familial adenomatous polyposis 2. Last evaluated: 2024-03-18. Review status: criteria provided, single submitter. Criteria: Invitae Variant Classification Sherloc (09022015). Collection method: clinical testing. Allele origin: germline.
Comment: This sequence change affects an acceptor splice site in intron 4 of the MUTYH gene. It is expected to disrupt RNA splicing. Variants that disrupt the donor or acceptor splice site typically lead to a loss of protein function (PMID: 16199547), and loss-of-function variants in MUTYH are known to be pathogenic (PMID: 18534194, 20663686). This variant is not present in population databases (gnomAD no frequency). Disruption of this splice site has been observed in individuals with colorectal polyposis (PMID: 15366000, 19732775; Invitae). This variant is also known as c.347-2A>G. ClinVar contains an entry for this variant (Variation ID: 215998). Algorithms developed to predict the effect of sequence changes on RNA splicing suggest that this variant may disrupt the consensus splice site. For these reasons, this variant has been classified as Pathogenic.

Baylor Genetics
Classification: Pathogenic for Familial adenomatous polyposis 2. Last evaluated: 2021-11-22. Review status: criteria provided, single submitter. Criteria: ACMG Guidelines, 2015. Collection method: clinical testing. Allele origin: unknown.

Literature cited by the submitters: PubMed 30604180 (cited by Women's Health and Genetics/Laboratory Corporation of America, LabCorp and Ambry Genetics); PubMed 16199547 (cited by Labcorp Genetics (formerly Invitae), Labcorp); PubMed 18534194 (cited by Labcorp Genetics (formerly Invitae), Labcorp); PubMed 20663686 (cited by Labcorp Genetics (formerly Invitae), Labcorp); PubMed 15366000 (cited by Labcorp Genetics (formerly Invitae), Labcorp); PubMed 19732775 (cited by Labcorp Genetics (formerly Invitae), Labcorp).

NM_001048174.2(MUTYH):c.305-2A>G

Gene: MUTYH (mutY DNA glycosylase; minus strand). Cytogenetic location: 1p34.1.
Variant type: single nucleotide variant.
Coding change: c.305-2A>G on transcript NM_001048174.2 (MANE Select); the canonical splice acceptor site of the intron before coding-DNA position 305, A replaced by G.
Molecular consequence: splice acceptor variant. On other transcripts: intron variant (3).
Genome position (GRCh38, 1-based): chr1:45,333,172, T>C on the plus strand (A>G on the coding strand, the complement: MUTYH is on the minus strand). VCF-style: chr1-45333172-T-C. GRCh37 (hg19) VCF-style: chr1-45798844-T-C.
Other names: c.305-2A>G (NM_001407072.1, NM_001048171.2, NM_001407070.1 and 6 more transcripts); c.33+113A>G (NM_001350651.2, NM_001350650.2, NM_001407082.1); c.29-2A>G (NM_001293192.2, NM_001293196.2, NM_001407091.1); c.347-2A>G (NM_001407073.1, NM_001407083.1, NM_001407085.1); c.350-2A>G (NM_001293190.2); c.380-2A>G (NM_001407069.1, NM_012222.3); c.389-2A>G (NM_001128425.2); c.308-2A>G (NM_001407071.1, NM_001407079.1, NM_001048172.2 and 2 more transcripts); and 3 more.
Identifiers: ClinVar variation 215998 (VCV000215998.16), dbSNP rs863224452, ClinGen allele CA337713.